The following is an entry in ClinVar:

ClinVar aggregate classification (germline): Uncertain significance. Review status: criteria provided, multiple submitters, no conflicts (2 of 4 stars). 2 submissions from 2 submitters: Uncertain significance (2). Last evaluated 2025-11-09.

Allele frequency attached by ClinVar (database versions not stated): ESP Exome Variant Server 0.00019; 1000 Genomes Project 0.00026; ExAC 0.00028; gnomAD exomes 0.00031 and 0.00056; TOPMed 0.00033; gnomAD 0.00038 and 0.00040; 1000 Genomes Project 30x 0.00042.
gnomAD v4.1: 653 of 1,208,056 alleles (0.054%); highest among the groups gnomAD compares: Non-Finnish European, 0.067%; 1 homozygote.

Submissions (2):

Labcorp Genetics (formerly Invitae), Labcorp
Classification: Uncertain significance. Last evaluated: 2025-11-09. Review status: criteria provided, single submitter. Criteria: Invitae Variant Classification Sherloc (09022015). Collection method: clinical testing. Allele origin: germline.
Comment: This sequence change replaces valine, which is neutral and non-polar, with isoleucine, which is neutral and non-polar, at codon 304 of the SH3KBP1 protein (p.Val304Ile). This variant is present in population databases (rs187770401, gnomAD 0.06%), and has an allele count higher than expected for a pathogenic variant. This variant has not been reported in the literature in individuals affected with SH3KBP1-related conditions. ClinVar contains an entry for this variant (Variation ID: 1360026). Invitae Evidence Modeling of protein sequence and biophysical properties (such as structural, functional, and spatial information, amino acid conservation, physicochemical variation, residue mobility, and thermodynamic stability) indicates that this missense variant is not expected to disrupt SH3KBP1 protein function with a negative predictive value of 80%. In summary, the available evidence is currently insufficient to determine the role of this variant in disease. Therefore, it has been classified as a Variant of Uncertain Significance.

Ambry Genetics
Classification: Uncertain significance. Last evaluated: 2021-08-02. Review status: criteria provided, single submitter. Criteria: Ambry Variant Classification Scheme 2023. Collection method: clinical testing. Allele origin: germline.

NM_031892.3(SH3KBP1):c.910G>A (p.Val304Ile)

Gene: SH3KBP1 (SH3 domain containing kinase binding protein 1; minus strand). Cytogenetic location: Xp22.12.
Variant type: single nucleotide variant.
Coding change: c.910G>A on transcript NM_031892.3 (MANE Select); coding-DNA position 910, G replaced by A.
Protein change: p.Val304Ile; replaces valine 304 with isoleucine.
Molecular consequence: missense variant.
Genome position (GRCh38, 1-based): chrX:19,608,033, C>T on the plus strand (G>A on the coding strand, the complement: SH3KBP1 is on the minus strand). VCF-style: chrX-19608033-C-T. GRCh37 (hg19) VCF-style: chrX-19626151-C-T.
Other names: c.910G>A (NM_031892.2); c.799G>A, p.Val267Ile (NM_001024666.3); c.196G>A, p.Val66Ile (NM_001184960.2, NM_001353897.2); c.910G>A, p.Val304Ile (NM_001353890.2); c.985G>A, p.Val329Ile (NM_001353891.2, NM_001353892.2); c.808G>A, p.Val270Ile (NM_001353893.2, NM_001353894.2); c.865G>A, p.Val289Ile (NM_001353895.2); short protein forms V304I, V267I, V289I, V270I, V329I, V66I.
Identifiers: ClinVar variation 1360026 (VCV001360026.7), dbSNP rs187770401, ClinGen allele CA10364688.